The following is an entry in ClinVar:

ClinVar aggregate classification (germline): Uncertain significance. Review status: criteria provided, multiple submitters, no conflicts (2 of 4 stars). 2 submissions from 2 submitters: Uncertain significance (2). Last evaluated 2024-03-04.

Conditions:
Aortic aneurysm, familial thoracic 8 (AAT8). Identifiers: MedGen C3809513, MONDO:0014187, OMIM 615436.

Allele frequency attached by ClinVar (database versions not stated): TOPMed 0.00001.

Submissions (2):

Labcorp Genetics (formerly Invitae), Labcorp
Classification: Uncertain significance for Aortic aneurysm, familial thoracic 8. Last evaluated: 2024-03-04. Review status: criteria provided, single submitter. Criteria: Invitae Variant Classification Sherloc (09022015). Collection method: clinical testing. Allele origin: germline.
Comment: This sequence change falls in intron 6 of the PRKG1 gene. It does not directly change the encoded amino acid sequence of the PRKG1 protein. It affects a nucleotide within the consensus splice site. This variant is not present in population databases (gnomAD no frequency). This variant has not been reported in the literature in individuals affected with PRKG1-related conditions. ClinVar contains an entry for this variant (Variation ID: 423548). Variants that disrupt the consensus splice site are a relatively common cause of aberrant splicing (PMID: 17576681, 9536098). Algorithms developed to predict the effect of sequence changes on RNA splicing suggest that this variant may disrupt the consensus splice site. In summary, the available evidence is currently insufficient to determine the role of this variant in disease. Therefore, it has been classified as a Variant of Uncertain Significance.

GeneDx
Classification: Uncertain significance. Last evaluated: 2021-03-25. Review status: criteria provided, single submitter. Criteria: GeneDx Variant Classification Process June 2021. Collection method: clinical testing. Allele origin: germline. Affected: yes.
Comment: Not observed in large population cohorts (Lek et al., 2016); In-silico analysis, which includes splice predictors and evolutionary conservation, is inconclusive as to whether the variant alters gene splicing. In the absence of RNA/functional studies, the actual effect of this sequence change is unknown.

Literature cited by the submitters: PubMed 17576681 (cited by Labcorp Genetics (formerly Invitae), Labcorp); PubMed 9536098 (cited by Labcorp Genetics (formerly Invitae), Labcorp).

NM_006258.4(PRKG1):c.840+5G>T

Gene: PRKG1 (protein kinase cGMP-dependent 1; plus strand). Cytogenetic location: 10q21.1.
Variant type: single nucleotide variant.
Coding change: c.840+5G>T on transcript NM_006258.4 (MANE Select); 5 bases into the intron after coding-DNA position 840, G replaced by T.
Molecular consequence: intron variant.
Genome position (GRCh38, 1-based): chr10:52,054,566, G>T. VCF-style: chr10-52054566-G-T. GRCh37 (hg19) VCF-style: chr10-53814326-G-T.
Other names: c.840+5G>T (LRG_1135t1); c.795+5G>T (LRG_1135t2, NM_001098512.3).
Identifiers: ClinVar variation 423548 (VCV000423548.8), dbSNP rs1064796485, ClinGen allele CA16618959.